The following is an entry in ClinVar:

NM_000368.5(TSC1):c.2042G>A (p.Gly681Asp)

Gene: TSC1 (TSC complex subunit 1; minus strand). Cytogenetic location: 9q34.13.
Variant type: single nucleotide variant.
Coding change: c.2042G>A on transcript NM_000368.5 (MANE Select); coding-DNA position 2042, G replaced by A.
Protein change: p.Gly681Asp; replaces glycine 681 with aspartic acid.
Molecular consequence: missense variant.
Genome position (GRCh38, 1-based): chr9:132,903,817, C>T on the plus strand (G>A on the coding strand, the complement: TSC1 is on the minus strand). VCF-style: chr9-132903817-C-T. GRCh37 (hg19) VCF-style: chr9-135779204-C-T.
Other names: c.1886G>A, p.Gly629Asp (NM_001406613.1, NM_001406611.1, NM_001406612.1); c.1679G>A, p.Gly560Asp (NM_001406614.1, NM_001406615.1, NM_001406616.1 and 5 more transcripts); c.1676G>A, p.Gly559Asp (NM_001406620.1, NM_001406621.1, NM_001406622.1 and 2 more transcripts); c.2039G>A, p.Gly680Asp (NM_001162426.2, NM_001406597.1, NM_001406598.1 and 4 more transcripts); c.1889G>A, p.Gly630Asp (NM_001162427.2, NM_001406610.1); c.2042G>A, p.Gly681Asp (NM_001406592.1, NM_001406593.1, NM_001406594.1 and 5 more transcripts); c.1091G>A, p.Gly364Asp (NM_001406626.1); c.1088G>A, p.Gly363Asp (NM_001406627.1, NM_001406628.1); and 1 more; short protein forms G330D, G629D, G559D, G680D, G363D, G681D, G364D, G560D.
Identifiers: ClinVar variation 1784928 (VCV001784928.3), dbSNP rs2131774984, ClinGen allele CA375361170.
Genomic context (GRCh38, chr9:132,903,817, plus strand): 5'-TGGTTGTGCAGTAAAAGCAACTGGTCTCGGAGGGTGCGGATCTCATCTGAAGGAGGAGAG[C>T]CTGATTGTAAAGCAGAGGGAGGGTGGCAGAAATGCCTTTTACAGATGGTTCAATCAAGCC-3'
Protein context (NP_000359.1, residues 671-691): SKSVDWTHFG[Gly681Asp]SPPSDEIRTL

ClinVar aggregate classification (germline): Uncertain significance (1 of 4 stars; one submission).

Conditions:
Hereditary cancer-predisposing syndrome. Also called: Hereditary Cancer Syndrome; Hereditary neoplastic syndrome; Neoplastic Syndromes, Hereditary; Tumor predisposition. Identifiers: Orphanet 140162, MedGen C0027672, MeSH D009386, MONDO:0015356.

Submission:

Ambry Genetics
Classification: Uncertain significance for Hereditary cancer-predisposing syndrome. Last evaluated: 2026-09-10. Review status: criteria provided, single submitter. Criteria: Ambry Variant Classification Scheme 2023. Collection method: clinical testing. Allele origin: germline.
Comment: The p.G681D variant (also known as c.2042G>A) is located in coding exon 15 of the TSC1 gene. The glycine at codon 681 is replaced by aspartic acid, an amino acid with similar properties. This change occurs in the first base pair of coding exon 15. This amino acid position is highly conserved in available vertebrate species. In addition, this alteration is predicted to be deleterious by in silico analysis. Based on the available evidence, the clinical significance of this variant remains unclear.